The following is an entry in ClinVar:

ClinVar aggregate classification (germline): Conflicting classifications of pathogenicity. Review status: criteria provided, conflicting classifications (1 of 4 stars). 4 submissions from 4 submitters: Likely pathogenic (2); Uncertain significance (2). Last evaluated 2026-01-22.

Conditions:
Cardiovascular phenotype. Identifiers: MedGen CN230736.
Arrhythmogenic right ventricular cardiomyopathy (ARVD). Also called: Cardiomyopathy, ARVC; Arrhythmogenic right ventricular dysplasia; Arrhythmogenic cardiomyopathy; Arrhythmogenic Right Ventricular Cardiomyopathy (ARVC). Identifiers: Orphanet 247, MedGen C0349788, MeSH D019571, MONDO:0016587. Disease mechanism: loss of function. Inheritance: Various modes of inheritance.
Cardiomyopathy (CMYO). Also called: Cardiomyopathies. Identifiers: Orphanet 167848, MedGen C0878544, MONDO:0004994, HP:0001638. Inheritance: Various modes of inheritance.
Arrhythmogenic right ventricular dysplasia 9 (ARVD9). Also called: Arrhythmogenic Right Ventricular Dysplasia/Cardiomyopathy 9; ARRHYTHMOGENIC RIGHT VENTRICULAR DYSPLASIA, FAMILIAL, 9. Identifiers: MedGen C1836906, MONDO:0012180, OMIM 609040.

Allele frequency attached by ClinVar (database versions not stated): gnomAD exomes below 0.00001; gnomAD 0.00001.
gnomAD v4.1: 3 of 1,613,080 alleles (0.00019%); highest among the groups gnomAD compares: Admixed American, 0.0017%; no homozygotes.

Submissions (4):

Labcorp Genetics (formerly Invitae), Labcorp
Classification: Likely pathogenic for Arrhythmogenic right ventricular dysplasia 9. Last evaluated: 2026-01-22. Review status: criteria provided, single submitter. Criteria: Invitae Variant Classification Sherloc (09022015). Collection method: clinical testing. Allele origin: germline.
Comment: This sequence change affects an acceptor splice site in intron 13 of the PKP2 gene. It is expected to disrupt RNA splicing. Variants that disrupt the donor or acceptor splice site typically lead to a loss of protein function (PMID: 16199547), and loss-of-function variants in PKP2 are known to be pathogenic (PMID: 15489853, 17041889, 23911551). This variant is not present in population databases (gnomAD no frequency). This variant has not been reported in the literature in individuals affected with PKP2-related conditions. ClinVar contains an entry for this variant (Variation ID: 406558). Algorithms developed to predict the effect of sequence changes on RNA splicing suggest that this variant may disrupt the consensus splice site. In summary, the currently available evidence indicates that the variant is pathogenic, but additional data are needed to prove that conclusively. Therefore, this variant has been classified as Likely Pathogenic.

Color Diagnostics, LLC DBA Color Health
Classification: Uncertain significance for Cardiomyopathy. Last evaluated: 2025-12-08. Review status: criteria provided, single submitter. Criteria: ACMG Guidelines, 2015. Collection method: clinical testing. Allele origin: germline.
Comment: This variant causes an A>C nucleotide substitution at the -2 position of intron 13 of the PKP2 gene. Splice site prediction tools suggest that this variant may impact RNA splicing by abolishing the native acceptor and utilizing a cryptic acceptor 6 basepairs downstream and potentially resulting in the deletion of two amino acids. To our knowledge, RNA studies have not been reported for this variant. This variant has not been reported in individuals affected with PKP2-related disorders in the literature. This variant has been identified in 3/1613080 chromosomes in the general population by the Genome Aggregation Database (gnomAD). The available evidence is insufficient to determine the role of this variant in disease conclusively. Therefore, this variant is classified as a Variant of Uncertain Significance.

Ambry Genetics
Classification: Likely pathogenic for Cardiovascular phenotype. Last evaluated: 2025-10-03. Review status: criteria provided, single submitter. Criteria: Ambry Variant Classification Scheme 2023. Collection method: clinical testing. Allele origin: germline.
Comment: The c.2578-2A>C intronic variant results from an A to C substitution two nucleotides before coding exon 14 in the PKP2 gene. This variant is considered to be rare based on population cohorts in the Genome Aggregation Database (gnomAD). This nucleotide position is highly conserved in available vertebrate species. In silico splice site analysis predicts that this alteration will weaken the native splice acceptor site and may result in the creation or strengthening of a novel splice acceptor site. Alterations that disrupt the canonical splice site are expected to cause aberrant splicing, resulting in an abnormal protein or a transcript that is subject to nonsense-mediated mRNA decay. As such, this alteration is classified as likely pathogenic.

All of Us Research Program, National Institutes of Health
Classification: Uncertain significance for Arrhythmogenic right ventricular cardiomyopathy. Last evaluated: 2023-10-02. Review status: criteria provided, single submitter. Criteria: ACMG Guidelines, 2015. Collection method: clinical testing. Allele origin: germline. Inheritance: Autosomal dominant inheritance. Observed: 1 variant allele, 1 heterozygote.
Comment: This variant causes an A>C nucleotide substitution at the -2 position of intron 13 of the PKP2 gene. Splice site prediction tools predict that this variant may impact RNA splicing and affect the expression of the last coding exon of the gene. To our knowledge, functional studies have not been reported for this variant. This variant has not been reported in individuals affected with cardiovascular disorders in the literature. This variant has not been identified in the general population by the Genome Aggregation Database (gnomAD). The available evidence is insufficient to determine the role of this variant in disease conclusively. Therefore, this variant is classified as a Variant of Uncertain Significance.

This study involves interpretation of variants in research participants for the purpose of population health screening. Participant phenotype was not available at the time of variant classification. Additional details can be found in publication PMID: 35346344, PMCID: PMC8962531

Literature cited by the submitters: PubMed 16199547 (cited by Labcorp Genetics (formerly Invitae), Labcorp); PubMed 15489853 (cited by Labcorp Genetics (formerly Invitae), Labcorp); PubMed 17041889 (cited by Labcorp Genetics (formerly Invitae), Labcorp); PubMed 23911551 (cited by Labcorp Genetics (formerly Invitae), Labcorp).

NM_001005242.3(PKP2):c.2446-2A>C

Gene: PKP2 (plakophilin 2; minus strand). Cytogenetic location: 12p11.21.
Variant type: single nucleotide variant.
Coding change: c.2446-2A>C on transcript NM_001005242.3 (MANE Select); the canonical splice acceptor site of the intron before coding-DNA position 2446, A replaced by C.
Molecular consequence: splice acceptor variant.
Genome position (GRCh38, 1-based): chr12:32,792,494, T>G on the plus strand (A>C on the coding strand, the complement: PKP2 is on the minus strand). VCF-style: chr12-32792494-T-G. GRCh37 (hg19) VCF-style: chr12-32945428-T-G.
Other names: c.2281-2A>C (NM_001407156.1); c.2256-2A>C (NM_001407155.1); c.2578-2A>C (NM_004572.4); c.1929-2A>C (NM_001407160.1); c.2119-2A>C (NM_001407159.1, NM_001407158.1).
Identifiers: ClinVar variation 406558 (VCV000406558.16), dbSNP rs1060501188, ClinGen allele CA16614003.